The following is an entry in ClinVar:

NM_001377229.1(DISP1):c.1952G>T (p.Trp651Leu)

Gene: DISP1 (dispatched RND transporter family member 1; plus strand). Cytogenetic location: 1q41.
Variant type: single nucleotide variant.
Coding change: c.1952G>T on transcript NM_001377229.1 (MANE Select); coding-DNA position 1952, G replaced by T.
Protein change: p.Trp651Leu; replaces tryptophan 651 with leucine.
Molecular consequence: missense variant.
Genome position (GRCh38, 1-based): chr1:223,003,349, G>T. VCF-style: chr1-223003349-G-T. GRCh37 (hg19) VCF-style: chr1-223176691-G-T.
Other names: c.1223G>T, p.Trp408Leu (NM_001350630.2); c.1952G>T, p.Trp651Leu (NM_001369594.1, NM_001377228.1, NM_032890.5); short protein forms W408L, W651L.
Identifiers: ClinVar variation 4799345 (VCV004799345.1).
Genomic context (GRCh38, chr1:223,003,349, plus strand): 5'-GATGCTTTGGGGTTTATGCGGGGACAGCTATATTGGTGAATTACGTTTTGATGGTCACAT[G>T]GCTTCCAGCAGTTGTTGTGCTGCATGAGCGGTATCTTCTTAATATATTCACTTGCTTCAA-3'
Protein context (NP_001364158.1, residues 641-661): ILVNYVLMVT[Trp651Leu]LPAVVVLHER

ClinVar aggregate classification (germline): Uncertain significance (1 of 4 stars; one submission).

gnomAD v4.1: 11 of 1,613,968 alleles (0.00068%); highest among the groups gnomAD compares: Admixed American, 0.0017%; no homozygotes.

Submission:

Labcorp Genetics (formerly Invitae), Labcorp
Classification: Uncertain significance. Last evaluated: 2025-11-09. Review status: criteria provided, single submitter. Criteria: Invitae Variant Classification Sherloc (09022015). Collection method: clinical testing. Allele origin: germline.
Comment: This sequence change replaces tryptophan, which is neutral and slightly polar, with leucine, which is neutral and non-polar, at codon 651 of the DISP1 protein (p.Trp651Leu). This variant is present in population databases (rs148124771, gnomAD 0.003%). This variant has not been reported in the literature in individuals affected with DISP1-related conditions. An algorithm developed to predict the effect of missense changes on protein structure and function (PolyPhen-2) suggests that this variant is likely to be disruptive. In summary, the available evidence is currently insufficient to determine the role of this variant in disease. Therefore, it has been classified as a Variant of Uncertain Significance.